The following is an entry in ClinVar:

NM_004484.4(GPC3):c.1666G>A (p.Gly556Arg)

Gene: GPC3 (glypican 3; minus strand). Cytogenetic location: Xq26.2.
Variant type: single nucleotide variant.
Coding change: c.1666G>A on transcript NM_004484.4 (MANE Select); coding-DNA position 1666, G replaced by A.
Protein change: p.Gly556Arg; replaces glycine 556 with arginine.
Molecular consequence: missense variant.
Genome position (GRCh38, 1-based): chrX:133,536,201, C>T on the plus strand (G>A on the coding strand, the complement: GPC3 is on the minus strand). VCF-style: chrX-133536201-C-T. GRCh37 (hg19) VCF-style: chrX-132670229-C-T.
Other names: c.1735G>A, p.Gly579Arg (NM_001164617.2); c.1618G>A, p.Gly540Arg (NM_001164618.2); c.1504G>A, p.Gly502Arg (NM_001164619.2); short protein forms G556R, G540R, G502R, G579R.
Identifiers: ClinVar variation 11695 (VCV000011695.12), dbSNP rs267606850, ClinGen allele CA256006.
Genomic context (GRCh38, chrX:133,536,201, plus strand): 5'-AGAAGCACACCACCGAGATGGCCATGCTGGTGAGAAGCTTCAGCGGGGAATGAACGTTCC[C>T]GAGGTTGTGAAAGGTGCTTATCTCGTTGTCCTTCGGAGTTGCCTGCTGACTGTTTCCAGG-3'
Protein context (NP_004475.1, residues 546-566): DNEISTFHNL[Gly556Arg]NVHSPLKLLT

ClinVar aggregate classification (germline): Pathogenic/Likely pathogenic. Review status: criteria provided, multiple submitters, no conflicts (2 of 4 stars). 5 submissions from 5 submitters: Pathogenic (1); Likely pathogenic (3). 1 of the submissions does not count toward it. Last evaluated 2026-10-01.

Conditions:
GPC3-related disorders.
Inborn genetic diseases. Identifiers: MedGen C0950123, MeSH D030342.
Simpson-Golabi-Behmel syndrome type 1 (SGBS1). Also called: BULLDOG SYNDROME; GPC3-Related Simpson-Golabi-Behmel Syndrome Type 1; SIMPSON DYSMORPHIA SYNDROME; DYSPLASIA GIGANTISM SYNDROME, X-LINKED; GOLABI-ROSEN SYNDROME. Identifiers: Orphanet 373, MedGen C0796154, MONDO:0020602, OMIM 312870.

Submissions (5):

GeneDx
Classification: Likely pathogenic. Last evaluated: 2026-10-01. Review status: criteria provided, single submitter. Criteria: GeneDx Variant Classification Process June 2021. Collection method: clinical testing. Allele origin: germline.
Comment: Identified multiple unrelated patients with features of GPC3-related Simpson-Golabi-Behmel syndrome referred for genetic testing at GeneDx and in published literature (PMID: 18203194, 23606591, 29637653); Published functional studies demonstrate that this variant impairs the function of the GPC3 protein (PMID: 19215053); Not observed at significant frequency in large population cohorts (gnomAD); In silico analysis suggests that this missense variant does not alter protein structure/function; This variant is associated with the following publications: (PMID: 31826854, 18203194, 29637653, 41332312, 41122961, 34547244, 23606591, 19215053)

Dasa
Classification: Likely pathogenic. Last evaluated: 2026-04-24. Review status: criteria provided, single submitter. Criteria: DASA Assertion Criteria. Collection method: clinical testing. Allele origin: germline.
Comment: NM_004484.4(GPC3):c.1666G>A (p.Gly556Arg) is a missense variant that results in the substitution of glycine with arginine. This variant results in the same amino acid change as a previously established pathogenic variant. This variant has been recurrently observed in individuals with GPC3-related disorders (PMID: 29637653; PMID: 19215053). Functional evidence supports an impact on the gene or gene product (PMID: 29637653; PMID: 19215053). Also, this variant is absent from population databases. Based on the currently available evidence, this variant is classified as likely pathogenic.

Blueprint Genetics
Classification: Pathogenic for GPC3-related disorders. Last evaluated: 2022-03-24. Review status: criteria provided, single submitter. Criteria: ACMG Guidelines, 2015. Collection method: clinical testing. Allele origin: germline. Affected: yes. Observed: 1 variant allele.

Ambry Genetics
Classification: Likely pathogenic for Inborn genetic diseases. Last evaluated: 2017-05-26. Review status: criteria provided, single submitter. Criteria: Ambry Variant Classification Scheme 2023. Collection method: clinical testing. Allele origin: germline.
Comment: The p.G556R variant (also known as c.1666G>A), located in coding exon 8 of the GPC3 gene, results from a G to A substitution at nucleotide position 1666. The glycine at codon 556 is replaced by arginine, an amino acid with dissimilar properties. This alteration was detected in an individual diagnosed with Simpson-Golabi-Behmel syndrome (SGBS) who presented with ischemic stroke due to a dissection of the right internal cartoid artery (P&eacute;nisson-Besnier I et al. Am. J. Med. Genet. A, 2008 Feb;146A:464-7). In one functional study, authors showed that this alteration may reduce the ability of GPC3 protein to inhibit Hedgehog signaling during development (Shi W et al. Am. J. Med. Genet. A, 2009 Mar;149A:552-4). In addition, this alteration was detected in two unrelated individuals from a cohort of patients with SGBS phenotypes; however, specific clinical information on these two individuals was not provided (Cottereau E et al. Am J Med Genet C Semin Med Genet, 2013 May;163C:92-105). This amino acid position is highly conserved in available vertebrate species. In addition, the in silico prediction for this alteration is inconclusive. Based on the majority of available evidence to date, this variant is likely to be pathogenic.

OMIM
Classification: Pathogenic for SIMPSON-GOLABI-BEHMEL SYNDROME, TYPE 1. Last evaluated: 2009-03-01. Review status: no assertion criteria provided. Collection method: literature only. Allele origin: germline. Not counted in ClinVar's aggregate classification.

Literature cited by the submitters: PubMed 29637653 (cited by Dasa); PubMed 19215053 (cited by 3 submitters); PubMed 18203194 (cited by Ambry Genetics and OMIM); PubMed 23606591 (cited by Ambry Genetics).